The following is an entry in ClinVar:

NM_000540.3(RYR1):c.6072T>C (p.Pro2024=)

Gene: RYR1 (ryanodine receptor 1; plus strand). Cytogenetic location: 19q13.2.
Variant type: single nucleotide variant.
Coding change: c.6072T>C on transcript NM_000540.3 (MANE Select); coding-DNA position 6072, T replaced by C.
Protein change: p.Pro2024=; no amino-acid change (proline 2024 retained).
Molecular consequence: synonymous variant.
Genome position (GRCh38, 1-based): chr19:38,490,677, T>C. VCF-style: chr19-38490677-T-C. GRCh37 (hg19) VCF-style: chr19-38981317-T-C.
Other names: c.6072T>C, p.Pro2024= (NM_001042723.2).
Identifiers: ClinVar variation 1882863 (VCV001882863.6), dbSNP rs748584800, ClinGen allele CA507240074.

ClinVar aggregate classification (germline): Likely benign. Review status: criteria provided, multiple submitters, no conflicts (2 of 4 stars). 2 submissions from 2 submitters: Likely benign (2). Last evaluated 2025-02-02.

Conditions:
Malignant hyperthermia, susceptibility to, 1 (MHS1). Also called: Anesthesia related hyperthermia; Malignant hyperpyrexia; Fulminating hyperpyrexia; Pharmacogenic myopathy; RYR1-Related Malignant Hyperthermia Susceptibility; Malignant hyperthermia suceptibility 1. Identifiers: Orphanet 423, MedGen C2930980, MONDO:0007783, OMIM 145600.
RYR1-related disorder. Also called: RYR1-related disorders; RYR1-related condition. Identifiers: MedGen CN239331.

gnomAD v4.1: 19 of 1,613,984 alleles (0.0012%); highest among the groups gnomAD compares: Non-Finnish European, 0.0015%; no homozygotes.

Submissions (2):

Labcorp Genetics (formerly Invitae), Labcorp
Classification: Likely benign for RYR1-related disorder. Last evaluated: 2025-02-02. Review status: criteria provided, single submitter. Criteria: Invitae Variant Classification Sherloc (09022015). Collection method: clinical testing. Allele origin: germline.

All of Us Research Program, National Institutes of Health
Classification: Likely benign for Malignant hyperthermia, susceptibility to, 1. Last evaluated: 2023-05-15. Review status: criteria provided, single submitter. Criteria: ACMG Guidelines, 2015. Collection method: clinical testing. Allele origin: germline. Inheritance: Autosomal dominant inheritance. Observed: 1 variant allele, 1 heterozygote.
Comment: This study involves interpretation of variants in research participants for the purpose of population health screening. Participant phenotype was not available at the time of variant classification. Additional details can be found in publication PMID: 35346344, PMCID: PMC8962531